The following is an entry in ClinVar:

ClinVar aggregate classification (germline): Likely benign (1 of 4 stars; one submission).

Conditions:
Immunodeficiency due to MASP-2 deficiency. Also called: MASP2 deficiency; LECTIN COMPLEMENT ACTIVATION PATHWAY, DEFECT IN, 2. Identifiers: Orphanet 331187, MedGen C3151085, MONDO:0013423, OMIM 613791.

Allele frequency attached by ClinVar (database versions not stated): ESP Exome Variant Server 0.00046; gnomAD 0.00086 and 0.00104; TOPMed 0.00090; 1000 Genomes Project 0.00120; ExAC 0.00140; gnomAD exomes 0.00142 and 0.00159; 1000 Genomes Project 30x 0.00172.
gnomAD v4.1: 2,463 of 1,612,534 alleles (0.15%); highest among the groups gnomAD compares: South Asian, 0.76%; 16 homozygotes.

Submission:

Illumina Laboratory Services, Illumina
Classification: Likely benign for Immunodeficiency due to MASP-2 deficiency. Last evaluated: 2018-01-13. Review status: criteria provided, single submitter. Criteria: ICSL Variant Classification Criteria 13 December 2019. Collection method: clinical testing. Allele origin: germline.
Comment: This variant was observed in the ICSL laboratory as part of a predisposition screen in an ostensibly healthy population. It had not been previously curated by ICSL or reported in the Human Gene Mutation Database (HGMD: prior to June 1st, 2018), and was therefore a candidate for classification through an automated scoring system. Utilizing variant allele frequency, disease prevalence and penetrance estimates, and inheritance mode, an automated score was calculated to assess if this variant is too frequent to cause the disease. Based on the score and internal cut-off values, a variant classified as likely benign is not then subjected to further curation. The score for this variant resulted in a classification of likely benign for this disease.

NM_006610.4(MASP2):c.742-12C>T

Gene: MASP2 (MBL associated serine protease 2; minus strand). Cytogenetic location: 1p36.22.
Variant type: single nucleotide variant.
Coding change: c.742-12C>T on transcript NM_006610.4 (MANE Select); 12 bases into the intron before coding-DNA position 742, C replaced by T.
Molecular consequence: intron variant.
Genome position (GRCh38, 1-based): chr1:11,043,034, G>A on the plus strand (C>T on the coding strand, the complement: MASP2 is on the minus strand). VCF-style: chr1-11043034-G-A. GRCh37 (hg19) VCF-style: chr1-11103091-G-A.
Identifiers: ClinVar variation 291794 (VCV000291794.5), dbSNP rs201703577, ClinGen allele CA586937.